The following is an entry in ClinVar:

ClinVar aggregate classification (germline): Uncertain significance (1 of 4 stars; one submission).

gnomAD v4.1: 28 of 1,600,404 alleles (0.0017%); highest among the groups gnomAD compares: Middle Eastern, 0.016%; no homozygotes.

Submission:

GeneDx
Classification: Uncertain significance. Last evaluated: 2025-04-06. Review status: criteria provided, single submitter. Criteria: GeneDx Variant Classification Process June 2021. Collection method: clinical testing. Allele origin: germline. Affected: yes.
Comment: In silico analysis indicates that this missense variant does not alter protein structure/function; Has not been previously published as pathogenic or benign to our knowledge; In silico analysis suggests this variant may impact gene splicing. In the absence of RNA/functional studies, the actual effect of this sequence change is unknown.

NM_000131.5(F7):c.67G>A (p.Gly23Arg)

Gene: F7 (coagulation factor VII; plus strand). Cytogenetic location: 13q34.
Variant type: single nucleotide variant.
Coding change: c.67G>A on transcript NM_000131.5 (MANE Plus Clinical); coding-DNA position 67, G replaced by A.
Protein change: p.Gly23Arg; replaces glycine 23 with arginine.
Molecular consequence: missense variant. On other transcripts: intron variant (2).
Genome position (GRCh38, 1-based): chr13:113,106,847, G>A. VCF-style: chr13-113106847-G-A. GRCh37 (hg19) VCF-style: chr13-113761161-G-A.
Other names: c.64+942G>A (NM_019616.4, NM_001267554.2); short protein forms G23R.
Identifiers: ClinVar variation 4281902 (VCV004281902.1).